The following is an entry in ClinVar:

NM_001365276.2(TNXB):c.3475C>G (p.Pro1159Ala)

Gene: TNXB (tenascin XB; minus strand). Cytogenetic location: 6p21.33.
Variant type: single nucleotide variant.
Coding change: c.3475C>G on transcript NM_001365276.2 (MANE Select); coding-DNA position 3475, C replaced by G.
Protein change: p.Pro1159Ala; replaces proline 1159 with alanine.
Molecular consequence: missense variant.
Genome position (GRCh38, 1-based): chr6:32,082,297, G>C on the plus strand (C>G on the coding strand, the complement: TNXB is on the minus strand). VCF-style: chr6-32082297-G-C. GRCh37 (hg19) VCF-style: chr6-32050074-G-C.
Other names: c.3475C>G, p.Pro1159Ala (NM_019105.8); short protein forms P1159A.
Identifiers: ClinVar variation 1731772 (VCV001731772.2), dbSNP rs1779514755, ClinGen allele CA363439062.
Genomic context (GRCh38, chr6:32,082,297, plus strand): 5'-AGGAGAGGTGCAGTGAATCTGGGGTAGGGTCTGTCACCCACAGGTTTCCCAGGTGGGGTG[G>C]AGTCCCTGGACTTGGGTCACTCTGAGGCACTAGGAAGAGTGGGTAGAGAGAAGGGAGAGA-3'
Protein context (NP_001352205.1, residues 1149-1169): LPQSDPSPGT[Pro1159Ala]PHLGNLWVTD

ClinVar aggregate classification (germline): Uncertain significance (1 of 4 stars; one submission).

Conditions:
Cardiovascular phenotype. Identifiers: MedGen CN230736.

gnomAD v4.1: 17 of 1,600,564 alleles (0.0011%); highest among the groups gnomAD compares: Non-Finnish European, 0.0015%; no homozygotes.

Submission:

Ambry Genetics
Classification: Uncertain significance for Cardiovascular phenotype. Last evaluated: 2022-07-25. Review status: criteria provided, single submitter. Criteria: Ambry Variant Classification Scheme 2023. Collection method: clinical testing. Allele origin: germline.
Comment: The p.P1159A variant (also known as c.3475C>G), located in coding exon 8 of the TNXB gene, results from a C to G substitution at nucleotide position 3475. The proline at codon 1159 is replaced by alanine, an amino acid with highly similar properties. This amino acid position is conserved. In addition, this alteration is predicted to be tolerated by in silico analysis. Since supporting evidence is limited at this time, the clinical significance of this alteration remains unclear.